The following is an entry in ClinVar:

NM_021020.5(LZTS1):c.1667G>A (p.Arg556Gln)

Gene: LZTS1 (leucine zipper tumor suppressor 1; minus strand). Cytogenetic location: 8p21.3.
Variant type: single nucleotide variant.
Coding change: c.1667G>A on transcript NM_021020.5 (MANE Select); coding-DNA position 1667, G replaced by A.
Protein change: p.Arg556Gln; replaces arginine 556 with glutamine.
Molecular consequence: missense variant.
Genome position (GRCh38, 1-based): chr8:20,249,846, C>T on the plus strand (G>A on the coding strand, the complement: LZTS1 is on the minus strand). VCF-style: chr8-20249846-C-T. GRCh37 (hg19) VCF-style: chr8-20107357-C-T.
Other names: c.1667G>A (NM_021020.2); c.1667G>A, p.Arg556Gln (NM_001362884.2); short protein forms R556Q.
Identifiers: ClinVar variation 1441624 (VCV001441624.8), dbSNP rs370968181, ClinGen allele CA4657219.
Genomic context (GRCh38, chr8:20,249,846, plus strand): 5'-GGCTCCCCGGCGCTGTCCCCACGTGCCAGCTGCTGCAGGGCCTTCTCCAGGCGCTGGTTC[C>T]GCTGGTACATGGCCACGTAGCTCTGCTGCAGCTGTTTCTGGTACTGAATCACCTTCTCCT-3'
Protein context (NP_066300.1, residues 546-566): LQQSYVAMYQ[Arg556Gln]NQRLEKALQQ

ClinVar aggregate classification (germline): Uncertain significance. Review status: criteria provided, multiple submitters, no conflicts (2 of 4 stars). 2 submissions from 2 submitters: Uncertain significance (2). Last evaluated 2025-02-22.

Allele frequency attached by ClinVar (database versions not stated): ExAC 0.00001; gnomAD exomes 0.00002; gnomAD 0.00003; TOPMed 0.00003; ESP Exome Variant Server 0.00008.
gnomAD v4.1: 31 of 1,614,084 alleles (0.0019%); highest among the groups gnomAD compares: Middle Eastern, 0.016%; no homozygotes.

Submissions (2):

Ambry Genetics
Classification: Uncertain significance. Last evaluated: 2025-02-22. Review status: criteria provided, single submitter. Criteria: Ambry Variant Classification Scheme 2023. Collection method: clinical testing. Allele origin: germline.

Labcorp Genetics (formerly Invitae), Labcorp
Classification: Uncertain significance. Last evaluated: 2024-07-06. Review status: criteria provided, single submitter. Criteria: Invitae Variant Classification Sherloc (09022015). Collection method: clinical testing. Allele origin: germline.
Comment: This sequence change replaces arginine, which is basic and polar, with glutamine, which is neutral and polar, at codon 556 of the LZTS1 protein (p.Arg556Gln). This variant is present in population databases (rs370968181, gnomAD 0.004%). This variant has not been reported in the literature in individuals affected with LZTS1-related conditions. ClinVar contains an entry for this variant (Variation ID: 1441624). Advanced modeling of protein sequence and biophysical properties (such as structural, functional, and spatial information, amino acid conservation, physicochemical variation, residue mobility, and thermodynamic stability) performed at Invitae indicates that this missense variant is not expected to disrupt LZTS1 protein function with a negative predictive value of 80%. In summary, the available evidence is currently insufficient to determine the role of this variant in disease. Therefore, it has been classified as a Variant of Uncertain Significance.